The following is an entry in ClinVar:

NM_001356.5(DDX3X):c.1702C>T (p.Pro568Ser)

Gene: DDX3X (DEAD-box helicase 3 X-linked; plus strand). Cytogenetic location: Xp11.4.
Variant type: single nucleotide variant.
Coding change: c.1702C>T on transcript NM_001356.5 (MANE Select); coding-DNA position 1702, C replaced by T.
Protein change: p.Pro568Ser; replaces proline 568 with serine.
Molecular consequence: missense variant. On other transcripts: non-coding transcript variant (1).
Genome position (GRCh38, 1-based): chrX:41,346,945, C>T. VCF-style: chrX-41346945-C-T. GRCh37 (hg19) VCF-style: chrX-41206198-C-T.
Other names: c.1702C>T, p.Pro568Ser (NM_001193416.3); c.1654C>T, p.Pro552Ser (NM_001193417.3); c.1144C>T, p.Pro382Ser (NM_001363819.1); short protein forms P382S, P552S, P568S.
Identifiers: ClinVar variation 1342018 (VCV001342018.2), dbSNP rs2147360044, ClinGen allele CA412777786.
Genomic context (GRCh38, chrX:41,346,945, plus strand): 5'-AGGAACATAAATATTACTAAGGATTTGTTGGATCTTCTTGTTGAAGCTAAACAAGAAGTG[C>T]CGTCTTGGTTAGAAAACATGGCTTATGAACACCACTACAAGGGTAGCAGTCGTGGACGTT-3'
Protein context (NP_001347.3, residues 558-578): DLLVEAKQEV[Pro568Ser]SWLENMAYEH

ClinVar aggregate classification (germline): not provided (0 of 4 stars; one submission).

Conditions:
Intellectual disability, X-linked 102 (MRXSSB). Also called: Intellectual developmental disorder, X-linked syndromic, Snijders Blok type. Identifiers: Orphanet 457260, MedGen C5393299, MONDO:0010497, OMIM 300958.

Submission:

GeneReviews
No classification provided. Condition: Intellectual disability, X-linked 102. Review status: no classification provided. Collection method: literature only. Allele origin: germline.
Comment: Observed in affected males w/de novo occurrence [Wang et al 2018, Nicola et al 2019]

Literature cited by the submitters: PubMed 30734472; NCBI Bookshelf NBK561282.